The following is an entry in ClinVar:

ClinVar aggregate classification (germline): Uncertain significance (1 of 4 stars; one submission).

Submission:

Labcorp Genetics (formerly Invitae), Labcorp
Classification: Uncertain significance. Last evaluated: 2023-12-02. Review status: criteria provided, single submitter. Criteria: Invitae Variant Classification Sherloc (09022015). Collection method: clinical testing. Allele origin: germline.
Comment: This sequence change creates a premature translational stop signal (p.Phe698Serfs*16) in the DHX32 gene. While this is not anticipated to result in nonsense mediated decay, it is expected to disrupt the last 46 amino acid(s) of the DHX32 protein. This variant is not present in population databases (gnomAD no frequency). This variant has not been reported in the literature in individuals affected with DHX32-related conditions. Experimental studies and prediction algorithms are not available or were not evaluated, and the functional significance of this variant is currently unknown. In summary, the available evidence is currently insufficient to determine the role of this variant in disease. Therefore, it has been classified as a Variant of Uncertain Significance.

NM_018180.3(DHX32):c.2093del (p.Phe698fs)

Genes: BCCIP (BRCA2 and CDKN1A interacting protein; plus strand), DHX32 (DEAH-box helicase 32 (putative); minus strand). Cytogenetic location: 10q26.2.
Variant type: Deletion.
Coding change: c.2093del on transcript NM_018180.3 (MANE Select); coding-DNA position 2093, one base deleted (T; older notation c.2093delT).
Protein change: p.Phe698fs; shifts the reading frame from phenylalanine 698.
Molecular consequence: frameshift variant. On other transcripts: intron variant (2).
Genome position (GRCh38, 1-based): chr10:125,836,826, A deleted on the plus strand (T on the coding strand, the reverse complement: DHX32 is on the minus strand); the first of 3 consecutive A bases (chr10:125,836,826-125,836,828); deleting any one gives the same sequence. VCF-style (leftmost placement, unchanged base first): chr10-125836825-GA-G. GRCh37 (hg19) VCF-style: chr10-127525394-GA-G.
Other names: c.774+2882del (NM_016567.4, NM_078469.3); short protein forms F698fs.
Identifiers: ClinVar variation 2737584 (VCV002737584.3), dbSNP rs2494359943, ClinGen allele CA2697558801.
Genomic context (GRCh38, chr10:125,836,825, plus strand): 5'-GGATAGGTGATCCACTACTTGCTGTAGAATGTCCTTACTTTCACTAGGAGGCAGATTACT[GA>G]AATAGTATTGTGGTACCAGCTGCATAAATCTGTTTATTTAAGACAAAAAGATGAGATTAT-3'